The following is an entry in ClinVar:

NM_000228.3(LAMB3):c.1818C>T (p.Thr606=)

Gene: LAMB3 (laminin subunit beta 3; minus strand). Cytogenetic location: 1q32.2.
Variant type: single nucleotide variant.
Coding change: c.1818C>T on transcript NM_000228.3 (MANE Select); coding-DNA position 1818, C replaced by T.
Protein change: p.Thr606=; no amino-acid change (threonine 606 retained).
Molecular consequence: synonymous variant.
Genome position (GRCh38, 1-based): chr1:209,625,806, G>A on the plus strand (C>T on the coding strand, the complement: LAMB3 is on the minus strand). VCF-style: chr1-209625806-G-A. GRCh37 (hg19) VCF-style: chr1-209799151-G-A.
Other names: c.1818C>T (NM_000228.2); c.1818C>T, p.Thr606= (NM_001017402.2, NM_001127641.1).
Identifiers: ClinVar variation 1108897 (VCV001108897.10), dbSNP rs781466716, ClinGen allele CA1375455.

ClinVar aggregate classification (germline): Likely benign. Review status: criteria provided, multiple submitters, no conflicts (2 of 4 stars). 2 submissions from 2 submitters: Likely benign (2). Last evaluated 2026-04-06.

Conditions:
LAMB3-related disorder. Also called: LAMB3-related condition.

Allele frequency attached by ClinVar (database versions not stated): gnomAD exomes 0.00001 and 0.00002; ExAC 0.00002; gnomAD 0.00003; TOPMed 0.00003.
gnomAD v4.1: 28 of 1,614,030 alleles (0.0017%); highest among the groups gnomAD compares: Middle Eastern, 0.016%; no homozygotes.

Submissions (2):

PreventionGenetics, part of Exact Sciences
Classification: Likely benign for LAMB3-related condition. Last evaluated: 2026-04-06. Review status: criteria provided, single submitter. Criteria: ACMG Guidelines, 2015. Collection method: clinical testing. Allele origin: germline.
Comment: This variant is classified as likely benign based on ACMG/AMP sequence variant interpretation guidelines (Richards et al. 2015 PMID: 25741868, with internal and published modifications).

Labcorp Genetics (formerly Invitae), Labcorp
Classification: Likely benign. Last evaluated: 2024-01-04. Review status: criteria provided, single submitter. Criteria: Invitae Variant Classification Sherloc (09022015). Collection method: clinical testing. Allele origin: germline.